The following is an entry in ClinVar:

NM_001128929.3(ROBO2):c.73G>A (p.Val25Met)

Gene: ROBO2 (roundabout guidance receptor 2; plus strand). Cytogenetic location: 3p12.3.
Variant type: single nucleotide variant.
Coding change: c.73G>A on transcript NM_001128929.3; coding-DNA position 73, G replaced by A.
Protein change: p.Val25Met; replaces valine 25 with methionine.
Molecular consequence: missense variant.
Genome position (GRCh38, 1-based): chr3:75,937,566, G>A. VCF-style: chr3-75937566-G-A. GRCh37 (hg19) VCF-style: chr3-75986717-G-A.
Other names: c.73G>A, p.Val25Met (NM_001378190.1, NM_001378191.1, NM_001378195.1 and 4 more transcripts); short protein forms V25M.
Identifiers: ClinVar variation 518349 (VCV000518349.6), dbSNP rs78834776, ClinGen allele CA77722769.

ClinVar aggregate classification (germline): Benign. Review status: criteria provided, single submitter (1 of 4 stars). 3 submissions from 3 submitters: Benign (1). 2 of the submissions do not count toward it. Last evaluated 2016-05-19.

Conditions:
ROBO2-related disorder. Also called: ROBO2-related condition.
Vesicoureteral reflux 2 (VUR2). Identifiers: Orphanet 289365, MedGen C1970483, MONDO:0012573, OMIM 610878.

Allele frequency attached by ClinVar (database versions not stated): ExAC 0.42014.

Submissions (3):

Genome Diagnostics Laboratory, University Medical Center Utrecht
Classification: Benign for Vesicoureteral reflux 2. Last evaluated: 2016-05-19. Review status: criteria provided, single submitter. Criteria: ACGS Guidelines, 2013. Collection method: clinical testing. Allele origin: germline. Affected: yes. Study: VKGL Data-share Consensus.

PreventionGenetics, part of Exact Sciences
Classification: Benign for ROBO2-related condition. Last evaluated: 2020-11-18. Review status: no assertion criteria provided. Collection method: clinical testing. Allele origin: germline. Not counted in ClinVar's aggregate classification.
Comment: This variant is classified as benign based on ACMG/AMP sequence variant interpretation guidelines (Richards et al. 2015 PMID: 25741868, with internal and published modifications).

Diagnostic Laboratory, Department of Genetics, University Medical Center Groningen
Classification: Benign for Vesicoureteral reflux 2. Review status: no assertion criteria provided. Collection method: clinical testing. Allele origin: germline. Affected: yes. Study: VKGL Data-share Consensus. Not counted in ClinVar's aggregate classification.